The following is an entry in ClinVar:

ClinVar aggregate classification (germline): Uncertain significance (1 of 4 stars; one submission).

Conditions:
Familial thoracic aortic aneurysm and aortic dissection (TAAD). Also called: Thoracic aortic aneurysms and dissections. Identifiers: Orphanet 91387, MedGen C4707243, MONDO:0019625.

Allele frequency attached by ClinVar (database versions not stated): gnomAD exomes 0.00001.
gnomAD v4.1: 6 of 1,597,538 alleles (0.00038%); highest among the groups gnomAD compares: Non-Finnish European, 0.00051%; no homozygotes.

Submission:

Ambry Genetics
Classification: Uncertain significance for Familial thoracic aortic aneurysm and aortic dissection. Last evaluated: 2023-12-13. Review status: criteria provided, single submitter. Criteria: Ambry Variant Classification Scheme 2023. Collection method: clinical testing. Allele origin: germline.
Comment: The p.Q2152P variant (also known as c.6455A>C), located in coding exon 51 of the FBN2 gene, results from an A to C substitution at nucleotide position 6455. The glutamine at codon 2152 is replaced by proline, an amino acid with similar properties. This amino acid position is well conserved in available vertebrate species. In addition, this alteration is predicted to be deleterious by in silico analysis. Since supporting evidence is limited at this time, the clinical significance of this alteration remains unclear.

NM_001999.4(FBN2):c.6455A>C (p.Gln2152Pro)

Gene: FBN2 (fibrillin 2; minus strand). Cytogenetic location: 5q23.3.
Variant type: single nucleotide variant.
Coding change: c.6455A>C on transcript NM_001999.4 (MANE Select); coding-DNA position 6455, A replaced by C.
Protein change: p.Gln2152Pro; replaces glutamine 2152 with proline.
Molecular consequence: missense variant.
Genome position (GRCh38, 1-based): chr5:128,289,938, T>G on the plus strand (A>C on the coding strand, the complement: FBN2 is on the minus strand). VCF-style: chr5-128289938-T-G. GRCh37 (hg19) VCF-style: chr5-127625630-T-G.
Other names: short protein forms Q2152P.
Identifiers: ClinVar variation 3221972 (VCV003221972.1), dbSNP rs2479680172, ClinGen allele CA360761844.
Genomic context (GRCh38, chr5:128,289,938, plus strand): 5'-GTACCTTCACGTGTATCATGAAGACTAGGGACAGTTCCATGGCCATATGGACACAAATCC[T>G]GAAATGCAACTACAAAGAAAAATACAAATTCTCCATTATTGAAGACTTGAAATTATCAAA-3'
Protein context (NP_001990.2, residues 2142-2162): LCPKDDEVAF[Gln2152Pro]DLCPYGHGTV